The following is an entry in ClinVar:

NM_000834.5(GRIN2B):c.4014C>T (p.His1338=)

Gene: GRIN2B (glutamate ionotropic receptor NMDA type subunit 2B; minus strand). Cytogenetic location: 12p13.1.
Variant type: single nucleotide variant.
Coding change: c.4014C>T on transcript NM_000834.5 (MANE Select); coding-DNA position 4014, C replaced by T.
Protein change: p.His1338=; no amino-acid change (histidine 1338 retained).
Molecular consequence: synonymous variant.
Genome position (GRCh38, 1-based): chr12:13,563,224, G>A on the plus strand (C>T on the coding strand, the complement: GRIN2B is on the minus strand). VCF-style: chr12-13563224-G-A. GRCh37 (hg19) VCF-style: chr12-13716158-G-A.
Identifiers: ClinVar variation 386140 (VCV000386140.12), dbSNP rs758288071, ClinGen allele CA16607175.

ClinVar aggregate classification (germline): Likely benign. Review status: criteria provided, multiple submitters, no conflicts (2 of 4 stars). 2 submissions from 2 submitters: Likely benign (2). Last evaluated 2025-10-26.

Conditions:
Intellectual developmental disorder, autosomal dominant 6, with or without seizures. Also called: GRIN2B-related developmental delay, intellectual disability and autism spectrum disorder; Intellectual disability, autosomal dominant 6. Identifiers: Orphanet 589547, MedGen C3151411, MONDO:0013509, OMIM 613970.
Developmental and epileptic encephalopathy, 27 (DEE27). Also called: Epileptic encephalopathy, early infantile, 27; GRIN2B-Related Neurodevelopmental Disorder. Identifiers: Orphanet 3451, MedGen C4015316, MONDO:0014505, OMIM 616139.

Allele frequency attached by ClinVar (database versions not stated): gnomAD exomes below 0.00001; TOPMed 0.00001; gnomAD 0.00001.
gnomAD v4.1: 8 of 1,614,126 alleles (0.0005%); highest among the groups gnomAD compares: Middle Eastern, 0.033%; no homozygotes.

Submissions (2):

Labcorp Genetics (formerly Invitae), Labcorp
Classification: Likely benign for Developmental and epileptic encephalopathy, 27; Intellectual developmental disorder, autosomal dominant 6, with or without seizures. Last evaluated: 2025-10-26. Review status: criteria provided, single submitter. Criteria: Invitae Variant Classification Sherloc (09022015). Collection method: clinical testing. Allele origin: germline.

GeneDx
Classification: Likely benign. Last evaluated: 2016-05-11. Review status: criteria provided, single submitter. Criteria: GeneDx Variant Classification (06012015). Collection method: clinical testing. Allele origin: germline. Affected: yes.
Comment: This variant is considered likely benign or benign based on one or more of the following criteria: it is a conservative change, it occurs at a poorly conserved position in the protein, it is predicted to be benign by multiple in silico algorithms, and/or has population frequency not consistent with disease.